The following is an entry in ClinVar:

NM_001330691.3(CEP78):c.1138G>A (p.Ala380Thr)

Gene: CEP78 (centrosomal protein 78; plus strand). Cytogenetic location: 9q21.2.
Variant type: single nucleotide variant.
Coding change: c.1138G>A on transcript NM_001330691.3 (MANE Select); coding-DNA position 1138, G replaced by A.
Protein change: p.Ala380Thr; replaces alanine 380 with threonine.
Molecular consequence: missense variant.
Genome position (GRCh38, 1-based): chr9:78,251,976, G>A. VCF-style: chr9-78251976-G-A. GRCh37 (hg19) VCF-style: chr9-80866892-G-A.
Other names: c.1141G>A, p.Ala381Thr (NM_001098802.3, NM_001349839.2, NM_001349840.2 and 1 more transcripts); c.1138G>A, p.Ala380Thr (NM_001330693.3, NM_001330694.2, NM_001349838.2); short protein forms A381T, A380T.
Identifiers: ClinVar variation 939370 (VCV000939370.9), dbSNP rs182745565, ClinGen allele CA5095151.

ClinVar aggregate classification (germline): Uncertain significance. Review status: criteria provided, multiple submitters, no conflicts (2 of 4 stars). 2 submissions from 2 submitters: Uncertain significance (2). Last evaluated 2025-08-05.

Conditions:
Inborn genetic diseases. Identifiers: MedGen C0950123, MeSH D030342.

Allele frequency attached by ClinVar (database versions not stated): TOPMed 0.00019; 1000 Genomes Project 30x 0.00047; 1000 Genomes Project 0.00060.
gnomAD v4.1: 63 of 1,607,354 alleles (0.0039%); highest among the groups gnomAD compares: African/African-American, 0.068%; 1 homozygote.

Submissions (2):

Ambry Genetics
Classification: Uncertain significance for Inborn genetic diseases. Last evaluated: 2025-08-05. Review status: criteria provided, single submitter. Criteria: Ambry Variant Classification Scheme 2023. Collection method: clinical testing. Allele origin: germline.

Labcorp Genetics (formerly Invitae), Labcorp
Classification: Uncertain significance. Last evaluated: 2025-03-31. Review status: criteria provided, single submitter. Criteria: Invitae Variant Classification Sherloc (09022015). Collection method: clinical testing. Allele origin: germline.
Comment: This sequence change replaces alanine, which is neutral and non-polar, with threonine, which is neutral and polar, at codon 381 of the CEP78 protein (p.Ala381Thr). The frequency data for this variant in the population databases is considered unreliable, as metrics indicate poor data quality at this position in the gnomAD database. This variant has not been reported in the literature in individuals affected with CEP78-related conditions. ClinVar contains an entry for this variant (Variation ID: 939370). Invitae Evidence Modeling of protein sequence and biophysical properties (such as structural, functional, and spatial information, amino acid conservation, physicochemical variation, residue mobility, and thermodynamic stability) indicates that this missense variant is not expected to disrupt CEP78 protein function with a negative predictive value of 80%. In summary, the available evidence is currently insufficient to determine the role of this variant in disease. Therefore, it has been classified as a Variant of Uncertain Significance.